The following is an entry in ClinVar:

ClinVar aggregate classification (germline): Benign (1 of 4 stars; one submission).

Conditions:
Tuberous sclerosis 2 (TSC2). Identifiers: Orphanet 805, MedGen C1860707, MONDO:0013199, OMIM 613254.

Submission:

Myriad Genetics, Inc.
Classification: Benign for Tuberous sclerosis 2. Last evaluated: 2025-06-09. Review status: criteria provided, single submitter. Criteria: Myriad Autosomal Dominant, Autosomal Recessive and X-Linked Classification Criteria (2023). Collection method: clinical testing. Allele origin: unknown.
Comment: This variant is considered benign. This variant occurs in the non-coding 3' untranslated region of the gene, and is not expected to impact protein function.

NM_000548.5(TSC2):c.*10_*21del

Gene: TSC2 (TSC complex subunit 2; plus strand). Cytogenetic location: 16p13.3.
Variant type: Deletion.
Coding change: c.*10_*21del on transcript NM_000548.5 (MANE Select); 10 bases downstream of the stop codon through 21 bases downstream of the stop codon, 12 bases deleted (CCTCCCTCCTGC).
Molecular consequence: 3 prime UTR variant. On other transcripts: non-coding transcript variant (5).
Genome position (GRCh38, 1-based): chr16:2,088,620-2,088,631, CCTCCCTCCTGC deleted; deleting any 12 consecutive bases within chr16:2,088,618-2,088,631 gives the same sequence; the c. name uses the placement nearest the transcript's 3' end. VCF-style (leftmost placement, unchanged base first): chr16-2088617-GGCCCTCCCTCCT-G. GRCh37 (hg19) VCF-style: chr16-2138618-GGCCCTCCCTCCT-G.
Other names: c.*10_*21del (NM_001406694.1, NM_001406695.1, NM_001406696.1 and 39 more transcripts).
Identifiers: ClinVar variation 4071121 (VCV004071121.1).